The following is an entry in ClinVar:

NM_144997.7(FLCN):c.1022G>A (p.Arg341Gln)

Gene: FLCN (folliculin; minus strand). Cytogenetic location: 17p11.2.
Variant type: single nucleotide variant.
Coding change: c.1022G>A on transcript NM_144997.7 (MANE Select); coding-DNA position 1022, G replaced by A.
Protein change: p.Arg341Gln; replaces arginine 341 with glutamine.
Molecular consequence: missense variant.
Genome position (GRCh38, 1-based): chr17:17,219,059, C>T on the plus strand (G>A on the coding strand, the complement: FLCN is on the minus strand). VCF-style: chr17-17219059-C-T. GRCh37 (hg19) VCF-style: chr17-17122373-C-T.
Other names: p.Arg341Gln; c.1076G>A, p.Arg359Gln (NM_001353229.2); c.1022G>A, p.Arg341Gln (NM_001353230.2, NM_001353231.2); c.1022G>A (LRG_325t1); short protein forms R341Q, R359Q.
Identifiers: ClinVar variation 409387 (VCV000409387.30), dbSNP rs375352888, ClinGen allele CA8416172.

ClinVar aggregate classification (germline): Conflicting classifications of pathogenicity. Review status: criteria provided, conflicting classifications (1 of 4 stars). 10 submissions from 10 submitters: Uncertain significance (6); Likely benign (2). 2 of the submissions do not count toward it. Last evaluated 2026-01-12.

Conditions:
Birt-Hogg-Dube syndrome 1 (BHD1). Also called: FIBROFOLLICULOMAS WITH TRICHODISCOMAS AND ACROCHORDONS. Identifiers: Orphanet 122, MedGen CN375946, MONDO:0800445, OMIM 135150.
Hereditary cancer-predisposing syndrome. Also called: Hereditary neoplastic syndrome; Tumor predisposition; Hereditary Cancer Syndrome; Neoplastic Syndromes, Hereditary. Identifiers: Orphanet 140162, MedGen C0027672, MeSH D009386, MONDO:0015356.
Birt-Hogg-Dube syndrome. Also called: Birt Hogg Dubé syndrome. Identifiers: Orphanet 122, MedGen C0346010, MONDO:0800444.
Nonpapillary renal cell carcinoma. Identifiers: Orphanet 422526, MedGen CN074294, MONDO:0007763, OMIM 144700.
Colorectal cancer. Also called: Colorectal cancer, somatic; Malignant Colorectal Neoplasm. Identifiers: MedGen C0346629, MONDO:0005575, OMIM 114500.
Familial spontaneous pneumothorax (PSP). Identifiers: Orphanet 2903, MedGen C1868193, MONDO:0008259, OMIM 173600.

Allele frequency attached by ClinVar (database versions not stated): gnomAD 0.00001; ESP Exome Variant Server 0.00008; gnomAD exomes 0.00003 and 0.00005; TOPMed 0.00003; ExAC 0.00004.

Submissions (10):

Labcorp Genetics (formerly Invitae), Labcorp
Classification: Uncertain significance for Birt-Hogg-Dube syndrome. Last evaluated: 2026-01-12. Review status: criteria provided, single submitter. Criteria: Invitae Variant Classification Sherloc (09022015). Collection method: clinical testing. Allele origin: germline.
Comment: This sequence change replaces arginine, which is basic and polar, with glutamine, which is neutral and polar, at codon 341 of the FLCN protein (p.Arg341Gln). This variant is present in population databases (rs375352888, gnomAD 0.007%). This missense change has been observed in individual(s) with breast cancer (PMID: 35534704). ClinVar contains an entry for this variant (Variation ID: 409387). Invitae Evidence Modeling of protein sequence and biophysical properties (such as structural, functional, and spatial information, amino acid conservation, physicochemical variation, residue mobility, and thermodynamic stability) indicates that this missense variant is not expected to disrupt FLCN protein function with a negative predictive value of 80%. In summary, the available evidence is currently insufficient to determine the role of this variant in disease. Therefore, it has been classified as a Variant of Uncertain Significance.

Dasa
Classification: Uncertain significance. Last evaluated: 2025-05-01. Review status: criteria provided, single submitter. Criteria: DASA Assertion Criteria. Collection method: clinical testing. Allele origin: germline.
Comment: NM_144997.7(FLCN):c.1022G>A (p.Arg341Gln) is a missense variant that results in the substitution of arginine with glutamine. This variant is rare in population databases. Computational prediction algorithms are consistent with a benign effect. The currently available literature and clinical evidence are not sufficient to establish a definitive association between this variant and the reported condition. Therefore, this variant is classified as a variant of uncertain significance.

Myriad Genetics, Inc.
Classification: Likely benign for Birt-Hogg-Dube syndrome 1. Last evaluated: 2024-10-23. Review status: criteria provided, single submitter. Criteria: Myriad Autosomal Dominant, Autosomal Recessive and X-Linked Classification Criteria (2023). Collection method: clinical testing. Allele origin: unknown.
Comment: This variant is considered likely benign. This variant has been observed at a population frequency that is significantly greater than expected given the associated disease prevalence and penetrance.

GeneDx
Classification: Uncertain significance. Last evaluated: 2024-06-24. Review status: criteria provided, single submitter. Criteria: GeneDx Variant Classification Process June 2021. Collection method: clinical testing. Allele origin: germline. Affected: yes.
Comment: In silico analysis indicates that this missense variant does not alter protein structure/function; Observed in an individual with breast cancer (PMID: 35534704); This variant is associated with the following publications: (PMID: 30828692, 35534704)

Fulgent Genetics
Classification: Uncertain significance for Colorectal cancer; Birt-Hogg-Dube syndrome 1; Nonpapillary renal cell carcinoma; Familial spontaneous pneumothorax. Last evaluated: 2024-04-24. Review status: criteria provided, single submitter. Criteria: ACMG Guidelines, 2015. Collection method: clinical testing. Allele origin: germline.

Mayo Clinic Laboratories, Mayo Clinic
Classification: Uncertain significance. Last evaluated: 2024-02-02. Review status: criteria provided, single submitter. Criteria: ACMG Guidelines, 2015. Collection method: clinical testing. Allele origin: germline. Observed: 1 variant allele.

Baylor Genetics
Classification: Uncertain significance for Birt-Hogg-Dube syndrome 1. Last evaluated: 2023-11-27. Review status: criteria provided, single submitter. Criteria: ACMG Guidelines, 2015. Collection method: clinical testing. Allele origin: unknown.

Ambry Genetics
Classification: Likely benign for Hereditary cancer-predisposing syndrome. Last evaluated: 2017-04-19. Review status: criteria provided, single submitter. Criteria: Ambry Variant Classification Scheme 2023. Collection method: clinical testing. Allele origin: germline.

Diagnostic Laboratory, Department of Genetics, University Medical Center Groningen
Classification: Likely benign. Review status: no assertion criteria provided. Collection method: clinical testing. Allele origin: germline. Affected: yes. Study: VKGL Data-share Consensus. Not counted in ClinVar's aggregate classification.

Genome Diagnostics Laboratory, Amsterdam University Medical Center
Classification: Likely benign. Review status: no assertion criteria provided. Collection method: clinical testing. Allele origin: germline. Affected: yes. Study: VKGL Data-share Consensus. Not counted in ClinVar's aggregate classification.

Literature cited by the submitters: PubMed 35534704 (cited by Labcorp Genetics (formerly Invitae), Labcorp).